The following is an entry in ClinVar:

ClinVar aggregate classification (germline): Likely benign (1 of 4 stars; one submission).

gnomAD v4.1: 16 of 1,611,374 alleles (0.00099%); highest among the groups gnomAD compares: Non-Finnish European, 0.0014%; no homozygotes.

Submission:

CeGaT Center for Human Genetics Tuebingen
Classification: Likely benign. Last evaluated: 2022-10-01. Review status: criteria provided, single submitter. Criteria: CeGaT Center For Human Genetics Tuebingen Variant Classification Criteria Version 2. Collection method: clinical testing. Allele origin: germline. Affected: yes. Observed: 1 variant allele.
Comment: STEAP3: BP4, BP7

NM_182915.3(STEAP3):c.645C>T (p.Pro215=)

Genes: STEAP3 (STEAP3 metalloreductase; plus strand), STEAP3-AS1 (STEAP3 antisense RNA 1; minus strand). Cytogenetic location: 2q14.2.
Variant type: single nucleotide variant.
Coding change: c.645C>T on transcript NM_182915.3 (MANE Select); coding-DNA position 645, C replaced by T.
Protein change: p.Pro215=; no amino-acid change (proline 215 retained).
Molecular consequence: synonymous variant.
Genome position (GRCh38, 1-based): chr2:119,247,801, C>T. VCF-style: chr2-119247801-C-T. GRCh37 (hg19) VCF-style: chr2-120005377-C-T.
Other names: c.615C>T, p.Pro205= (NM_001008410.2, NM_018234.3, NM_138637.3).
Identifiers: ClinVar variation 2651300 (VCV002651300.24), dbSNP rs140126918, ClinGen allele CA1846664.